The following is an entry in ClinVar:

NM_002878.4(RAD51D):c.166del (p.Val56fs)

Genes: RAD51L3-RFFL (RAD51L3-RFFL readthrough; minus strand), RAD51D (RAD51 paralog D; minus strand). Cytogenetic location: 17q12.
Variant type: Deletion.
Coding change: c.166del on transcript NM_002878.4 (MANE Select); coding-DNA position 166, one base deleted (G; older notation c.166delG).
Protein change: p.Val56fs; shifts the reading frame from valine 56.
Molecular consequence: frameshift variant. On other transcripts: intron variant (2).
Genome position (GRCh38, 1-based): chr17:35,118,598, C deleted on the plus strand (G on the coding strand, the reverse complement: RAD51D is on the minus strand); the first of 3 consecutive C bases (chr17:35,118,598-35,118,600); deleting any one gives the same sequence. VCF-style (leftmost placement, unchanged base first): chr17-35118597-AC-A. GRCh37 (hg19) VCF-style: chr17-33445616-AC-A.
Other names: c.144+513del (NM_133629.3, NM_001142571.2); c.166delG (NM_002878.3); short protein forms V56fs.
Identifiers: ClinVar variation 2103022 (VCV002103022.6), dbSNP rs2509182386, ClinGen allele CA2580093222.
Genomic context (GRCh38, chr17:35,118,597, plus strand): 5'-TTCAGTTCCTCGTAGAGATCAGCGCCATTCACGGGGAAAGCCGAGAACTGAGCCAGCAGC[AC>A]CCGCCTCAGGGCAACCAGGGCCTGCCAAAGGGCCCCAGACTGCTCAGCAACAAATTGCCC-3'

ClinVar aggregate classification (germline): Pathogenic. Review status: criteria provided, multiple submitters, no conflicts (2 of 4 stars). 3 submissions from 3 submitters: Pathogenic (3). Last evaluated 2025-05-27.

Conditions:
Breast-ovarian cancer, familial, susceptibility to, 4. Identifiers: Orphanet 145, MedGen C3280345, MONDO:0013669, OMIM 614291.
Hereditary cancer-predisposing syndrome. Also called: Hereditary Cancer Syndrome; Tumor predisposition; Neoplastic Syndromes, Hereditary; Hereditary neoplastic syndrome. Identifiers: Orphanet 140162, MedGen C0027672, MeSH D009386, MONDO:0015356.

Submissions (3):

Ambry Genetics
Classification: Pathogenic for Hereditary cancer-predisposing syndrome. Last evaluated: 2025-05-27. Review status: criteria provided, single submitter. Criteria: Ambry Variant Classification Scheme 2023. Collection method: clinical testing. Allele origin: germline.
Comment: The c.166delG pathogenic mutation, located in coding exon 3 of the RAD51D gene, results from a deletion of one nucleotide at nucleotide position 166, causing a translational frameshift with a predicted alternate stop codon (p.V56Cfs*11). This variant is considered to be rare based on population cohorts in the Genome Aggregation Database (gnomAD). This alteration is expected to result in loss of function by premature protein truncation or nonsense-mediated mRNA decay. As such, this alteration is interpreted as a disease-causing mutation.

Myriad Genetics, Inc.
Classification: Pathogenic for Breast-ovarian cancer, familial, susceptibility to, 4. Last evaluated: 2024-01-04. Review status: criteria provided, single submitter. Criteria: Myriad Autosomal Dominant, Autosomal Recessive and X-Linked Classification Criteria (2023). Collection method: clinical testing. Allele origin: unknown.
Comment: This variant is considered pathogenic. This variant creates a frameshift predicted to result in premature protein truncation.

Labcorp Genetics (formerly Invitae), Labcorp
Classification: Pathogenic for Breast-ovarian cancer, familial, susceptibility to, 4. Last evaluated: 2022-02-24. Review status: criteria provided, single submitter. Criteria: Invitae Variant Classification Sherloc (09022015). Collection method: clinical testing. Allele origin: germline.
Comment: For these reasons, this variant has been classified as Pathogenic. This variant has not been reported in the literature in individuals affected with RAD51D-related conditions. This variant is not present in population databases (gnomAD no frequency). This sequence change creates a premature translational stop signal (p.Val56Cysfs*11) in the RAD51D gene. It is expected to result in an absent or disrupted protein product. Loss-of-function variants in RAD51D are known to be pathogenic (PMID: 21822267).

Literature cited by the submitters: PubMed 21822267 (cited by Labcorp Genetics (formerly Invitae), Labcorp).